The following is an entry in ClinVar:

NM_031935.3(HMCN1):c.4348+1G>C

Gene: HMCN1 (hemicentin 1; plus strand). Cytogenetic location: 1q31.1.
Variant type: single nucleotide variant.
Coding change: c.4348+1G>C on transcript NM_031935.3 (MANE Select); the canonical splice donor site of the intron after coding-DNA position 4348, G replaced by C.
Molecular consequence: splice donor variant.
Genome position (GRCh38, 1-based): chr1:186,001,742, G>C. VCF-style: chr1-186001742-G-C. GRCh37 (hg19) VCF-style: chr1-185970874-G-C.
Identifiers: ClinVar variation 4760087 (VCV004760087.1).
Genomic context (GRCh38, chr1:186,001,742, plus strand): 5'-CCTGCAAAGCAATTAATATTGCAGGCACTTCTCAGAAGTACTTTAACATTGATGTGCTAG[G>C]TAAGAAATACATCCTTTTAAAAAACTACAATTCAGAAGCATTTCTTACCTAAAATAGAGC-3'

ClinVar aggregate classification (germline): Uncertain significance (1 of 4 stars; one submission).

gnomAD v4.1: 1 of 1,609,988 alleles (0.000062%); highest among the groups gnomAD compares: Non-Finnish European, 0.000085%; no homozygotes.

Submission:

Labcorp Genetics (formerly Invitae), Labcorp
Classification: Uncertain significance. Last evaluated: 2025-11-04. Review status: criteria provided, single submitter. Criteria: Invitae Variant Classification Sherloc (09022015). Collection method: clinical testing. Allele origin: germline.
Comment: This sequence change affects a donor splice site in intron 28 of the HMCN1 gene. It is expected to disrupt RNA splicing. Variants that disrupt the donor or acceptor splice site typically lead to a loss of protein function (PMID: 16199547), however the current clinical and genetic evidence is not sufficient to establish whether loss-of-function variants in HMCN1 cause disease. This variant is not present in population databases (gnomAD no frequency). This variant has not been reported in the literature in individuals affected with HMCN1-related conditions. Algorithms developed to predict the effect of sequence changes on RNA splicing suggest that this variant may disrupt the consensus splice site. In summary, the available evidence is currently insufficient to determine the role of this variant in disease. Therefore, it has been classified as a Variant of Uncertain Significance.

Literature cited by the submitters: PubMed 16199547.